The following is an entry in ClinVar:

NM_000051.4(ATM):c.1015dup (p.Ile339fs)

Gene: ATM (ATM serine/threonine kinase; plus strand). Cytogenetic location: 11q22.3.
Variant type: Duplication.
Coding change: c.1015dup on transcript NM_000051.4 (MANE Select); coding-DNA position 1015, one base duplicated (A; older notation c.1015dupA).
Protein change: p.Ile339fs; shifts the reading frame from isoleucine 339.
Molecular consequence: frameshift variant.
Genome position (GRCh38, 1-based): chr11:108,247,077, A duplicated. VCF-style (leftmost placement, unchanged base first): chr11-108247076-T-TA. GRCh37 (hg19) VCF-style: chr11-108117803-T-TA.
Other names: c.1015dup, p.Ile339fs (NM_001351834.2); short protein forms I339fs.
Identifiers: ClinVar variation 4856755 (VCV004856755.1).

ClinVar aggregate classification (germline): Pathogenic (1 of 4 stars; one submission).

Conditions:
Familial cancer of breast. Also called: BREAST CANCER, FAMILIAL; Hereditary breast cancer; hereditary breast carcinoma. Identifiers: Orphanet 227535, MedGen C0346153, MONDO:0016419, OMIM 114480. Disease mechanism: loss of function.

Submission:

Myriad Genetics, Inc.
Classification: Pathogenic for Familial cancer of breast. Last evaluated: 2026-03-04. Review status: criteria provided, single submitter. Criteria: Myriad Autosomal Dominant, Autosomal Recessive and X-Linked Classification Criteria (2023). Collection method: clinical testing. Allele origin: unknown.
Comment: This variant is considered pathogenic. This variant creates a frameshift predicted to result in premature protein truncation.